The following is an entry in ClinVar:

ClinVar aggregate classification (germline): Uncertain significance. Review status: criteria provided, multiple submitters, no conflicts (2 of 4 stars). 2 submissions from 2 submitters: Uncertain significance (2). Last evaluated 2025-11-25.

Conditions:
Hereditary cancer-predisposing syndrome. Also called: Neoplastic Syndromes, Hereditary; Tumor predisposition; Hereditary neoplastic syndrome; Hereditary Cancer Syndrome. Identifiers: Orphanet 140162, MedGen C0027672, MeSH D009386, MONDO:0015356.
Gorlin syndrome. Also called: Basal cell nevus syndrome; Nevoid Basal Cell Carcinoma Syndrome. Identifiers: Orphanet 377, MedGen C0004779, MONDO:0007187.

Submissions (2):

Labcorp Genetics (formerly Invitae), Labcorp
Classification: Uncertain significance for Gorlin syndrome. Last evaluated: 2025-11-25. Review status: criteria provided, single submitter. Criteria: Invitae Variant Classification Sherloc (09022015). Collection method: clinical testing. Allele origin: germline.
Comment: This sequence change replaces isoleucine, which is neutral and non-polar, with valine, which is neutral and non-polar, at codon 969 of the PTCH1 protein (p.Ile969Val). This variant is not present in population databases (gnomAD no frequency). This variant has not been reported in the literature in individuals affected with PTCH1-related conditions. ClinVar contains an entry for this variant (Variation ID: 1797495). Invitae Evidence Modeling of protein sequence and biophysical properties (such as structural, functional, and spatial information, amino acid conservation, physicochemical variation, residue mobility, and thermodynamic stability) has been performed for this missense variant. However, the output from this modeling did not meet the statistical confidence thresholds required to predict the impact of this variant on PTCH1 protein function. In summary, the available evidence is currently insufficient to determine the role of this variant in disease. Therefore, it has been classified as a Variant of Uncertain Significance.

Ambry Genetics
Classification: Uncertain significance for Hereditary cancer-predisposing syndrome. Last evaluated: 2024-05-24. Review status: criteria provided, single submitter. Criteria: Ambry Variant Classification Scheme 2023. Collection method: clinical testing. Allele origin: germline.
Comment: The p.I969V variant (also known as c.2905A>G), located in coding exon 18 of the PTCH1 gene, results from an A to G substitution at nucleotide position 2905. The isoleucine at codon 969 is replaced by valine, an amino acid with highly similar properties. This amino acid position is highly conserved in available vertebrate species. In addition, the in silico prediction for this alteration is inconclusive. Since supporting evidence is limited at this time, the clinical significance of this alteration remains unclear.

NM_000264.5(PTCH1):c.2905A>G (p.Ile969Val)

Gene: PTCH1 (patched 1; minus strand). Cytogenetic location: 9q22.32.
Variant type: single nucleotide variant.
Coding change: c.2905A>G on transcript NM_000264.5 (MANE Select); coding-DNA position 2905, A replaced by G.
Protein change: p.Ile969Val; replaces isoleucine 969 with valine.
Molecular consequence: missense variant. On other transcripts: non-coding transcript variant (1).
Genome position (GRCh38, 1-based): chr9:95,458,276, T>C on the plus strand (A>G on the coding strand, the complement: PTCH1 is on the minus strand). VCF-style: chr9-95458276-T-C. GRCh37 (hg19) VCF-style: chr9-98220558-T-C.
Other names: c.2707A>G, p.Ile903Val (NM_001083602.3); c.2902A>G, p.Ile968Val (NM_001083603.3); c.2452A>G, p.Ile818Val (NM_001083604.3, NM_001083605.3, NM_001083606.3 and 1 more transcripts); c.2749A>G, p.Ile917Val (NM_001354918.2); short protein forms I818V, I917V, I969V, I903V, I968V.
Identifiers: ClinVar variation 1797495 (VCV001797495.4), dbSNP rs2538069942, ClinGen allele CA374112818.